The following is an entry in ClinVar:

ClinVar aggregate classification (germline): Uncertain significance (0 of 4 stars; one submission).

Conditions:
MC3R-related disorder. Also called: MC3R-related condition.

gnomAD v4.1: 34 of 1,614,012 alleles (0.0021%); highest among the groups gnomAD compares: Non-Finnish European, 0.0028%; no homozygotes.

Submission:

PreventionGenetics, part of Exact Sciences
Classification: Uncertain significance for MC3R-related condition. Last evaluated: 2024-01-04. Review status: no assertion criteria provided. Collection method: clinical testing. Allele origin: germline.
Comment: The MC3R c.110A>G variant is predicted to result in the amino acid substitution p.Gln37Arg. To our knowledge, this variant has not been reported in the literature in individuals with MC3R-related disorders. This variant is reported in 0.0035% of alleles in individuals of European (Non-Finnish) descent in gnomAD. At this time, the clinical significance of this variant is uncertain due to the absence of conclusive functional and genetic evidence.

NM_019888.3(MC3R):c.110A>G (p.Gln37Arg)

Gene: MC3R (melanocortin 3 receptor; plus strand). Cytogenetic location: 20q13.2.
Variant type: single nucleotide variant.
Coding change: c.110A>G on transcript NM_019888.3 (MANE Select); coding-DNA position 110, A replaced by G.
Protein change: p.Gln37Arg; replaces glutamine 37 with arginine.
Molecular consequence: missense variant.
Genome position (GRCh38, 1-based): chr20:56,248,953, A>G. VCF-style: chr20-56248953-A-G. GRCh37 (hg19) VCF-style: chr20-54824009-A-G.
Other names: short protein forms Q37R.
Identifiers: ClinVar variation 3352033 (VCV003352033.1).